The following is an entry in ClinVar:

ClinVar aggregate classification (germline): Pathogenic (1 of 4 stars; one submission).

Conditions:
Peroxisome biogenesis disorder 9B. Also called: PEX7-Related Refsum Disease; PEROXISOME BIOGENESIS DISORDER, PEX7-RELATED, ATYPICAL; Refsum disease, adult, 2. Identifiers: Orphanet 773, MedGen C2749346, MONDO:0013945, OMIM 614879.

Submission:

Labcorp Genetics (formerly Invitae), Labcorp
Classification: Pathogenic for Peroxisome biogenesis disorder 9B. Last evaluated: 2021-09-25. Review status: criteria provided, single submitter. Criteria: Invitae Variant Classification Sherloc (09022015). Collection method: clinical testing. Allele origin: germline.
Comment: This sequence change affects a donor splice site in intron 1 of the PEX7 gene. It is expected to disrupt RNA splicing. Variants that disrupt the donor or acceptor splice site typically lead to a loss of protein function (PMID: 16199547), and loss-of-function variants in PEX7 are known to be pathogenic (PMID: 12325024, 12522768, 20301447). The frequency data for this variant in the population databases is considered unreliable, as metrics indicate insufficient coverage at this position in the ExAC database. Disruption of this splice site has been observed in individuals with rhizomelic chondrodysplasia punctata (PMID: 12325024). Algorithms developed to predict the effect of sequence changes on RNA splicing suggest that this variant may disrupt the consensus splice site. For these reasons, this variant has been classified as Pathogenic.

Literature cited by the submitters: PubMed 16199547; PubMed 12325024; PubMed 12522768; PubMed 20301447.

NM_000288.4(PEX7):c.130+2T>G

Gene: PEX7 (peroxisomal biogenesis factor 7; plus strand). Cytogenetic location: 6q23.3.
Variant type: single nucleotide variant.
Coding change: c.130+2T>G on transcript NM_000288.4 (MANE Select); the canonical splice donor site of the intron after coding-DNA position 130, T replaced by G.
Molecular consequence: splice donor variant.
Genome position (GRCh38, 1-based): chr6:136,822,797, T>G. VCF-style: chr6-136822797-T-G. GRCh37 (hg19) VCF-style: chr6-137143935-T-G.
Identifiers: ClinVar variation 1453098 (VCV001453098.6), dbSNP rs2115122957, ClinGen allele CA365855489.